The following is an entry in ClinVar:

NM_014140.4(SMARCAL1):c.2528+6G>C

Gene: SMARCAL1 (SNF2 related chromatin remodeling annealing helicase 1; plus strand). Cytogenetic location: 2q35.
Variant type: single nucleotide variant.
Coding change: c.2528+6G>C on transcript NM_014140.4 (MANE Select); 6 bases into the intron after coding-DNA position 2528, G replaced by C.
Molecular consequence: intron variant.
Genome position (GRCh38, 1-based): chr2:216,477,215, G>C. VCF-style: chr2-216477215-G-C. GRCh37 (hg19) VCF-style: chr2-217341938-G-C.
Other names: c.2528+6G>C (NM_001127207.2).
Identifiers: ClinVar variation 2177044 (VCV002177044.1), dbSNP rs2469050394, ClinGen allele CA2580065669.
Genomic context (GRCh38, chr2:216,477,215, plus strand): 5'-GCTCCGTGGGCATTCACTACCTCGTGGCAAAGGGCACAGCTGATGACTACCTTTGGTATG[G>C]CTTGGTTGGGTGGCCTGGCAGTTGGAGTCGAGCAAGGGTGGAAACTGATGATATGTTTAC-3'

ClinVar aggregate classification (germline): Uncertain significance (1 of 4 stars; one submission).

Conditions:
Schimke immuno-osseous dysplasia (SIOD). Also called: Schimke Immunoosseous Dysplasia. Identifiers: Orphanet 1830, MedGen C0877024, MONDO:0009458, OMIM 242900.

Submission:

Labcorp Genetics (formerly Invitae), Labcorp
Classification: Uncertain significance for Schimke immuno-osseous dysplasia. Last evaluated: 2022-03-26. Review status: criteria provided, single submitter. Criteria: Invitae Variant Classification Sherloc (09022015). Collection method: clinical testing. Allele origin: germline.
Comment: This sequence change falls in intron 16 of the SMARCAL1 gene. It does not directly change the encoded amino acid sequence of the SMARCAL1 protein. It affects a nucleotide within the consensus splice site. This variant is not present in population databases (gnomAD no frequency). This variant has not been reported in the literature in individuals affected with SMARCAL1-related conditions. Variants that disrupt the consensus splice site are a relatively common cause of aberrant splicing (PMID: 17576681, 9536098). Algorithms developed to predict the effect of sequence changes on RNA splicing suggest that this variant is not likely to affect RNA splicing. In summary, the available evidence is currently insufficient to determine the role of this variant in disease. Therefore, it has been classified as a Variant of Uncertain Significance.

Literature cited by the submitters: PubMed 17576681; PubMed 9536098.